The following is an entry in ClinVar:

NM_001079802.2(FKTN):c.281C>T (p.Ser94Phe)

Gene: FKTN (fukutin; plus strand). Cytogenetic location: 9q31.2.
Variant type: single nucleotide variant.
Coding change: c.281C>T on transcript NM_001079802.2 (MANE Select); coding-DNA position 281, C replaced by T.
Protein change: p.Ser94Phe; replaces serine 94 with phenylalanine.
Molecular consequence: missense variant. On other transcripts: 5 prime UTR variant (4), non-coding transcript variant (2).
Genome position (GRCh38, 1-based): chr9:105,601,260, C>T. VCF-style: chr9-105601260-C-T. GRCh37 (hg19) VCF-style: chr9-108363541-C-T.
Other names: c.281C>T, p.Ser94Phe (NM_001198963.2, NM_001351496.2, NM_001351498.2 and 1 more transcripts); c.212C>T, p.Ser71Phe (NM_001351497.2); c.-234C>T (NM_001351499.2, NM_001351500.2, NM_001351501.2 and 1 more transcripts); short protein forms S71F, S94F.
Identifiers: ClinVar variation 1923895 (VCV001923895.2), dbSNP rs1400272917, ClinGen allele CA374331651.

ClinVar aggregate classification (germline): Uncertain significance (1 of 4 stars; one submission).

Conditions:
Walker-Warburg congenital muscular dystrophy. Also called: Muscular dystrophy-dystroglycanopathy, type A; Walker-Warburg syndrome. Identifiers: Orphanet 899, MedGen C0265221, MONDO:0000171.

Allele frequency attached by ClinVar (database versions not stated): gnomAD exomes 0.00001.
gnomAD v4.1: 6 of 1,612,328 alleles (0.00037%); highest among the groups gnomAD compares: South Asian, 0.0066%; no homozygotes.

Submission:

Labcorp Genetics (formerly Invitae), Labcorp
Classification: Uncertain significance for Walker-Warburg congenital muscular dystrophy. Last evaluated: 2021-08-24. Review status: criteria provided, single submitter. Criteria: Invitae Variant Classification Sherloc (09022015). Collection method: clinical testing. Allele origin: germline.
Comment: This sequence change replaces serine with phenylalanine at codon 94 of the FKTN protein (p.Ser94Phe). The serine residue is moderately conserved and there is a large physicochemical difference between serine and phenylalanine. This variant is not present in population databases (ExAC no frequency). This variant has not been reported in the literature in individuals affected with FKTN-related conditions. Algorithms developed to predict the effect of missense changes on protein structure and function (SIFT, PolyPhen-2, Align-GVGD) all suggest that this variant is likely to be tolerated. In summary, the available evidence is currently insufficient to determine the role of this variant in disease. Therefore, it has been classified as a Variant of Uncertain Significance.